The following is an entry in ClinVar:

ClinVar aggregate classification (germline): Likely pathogenic (1 of 4 stars; one submission).

Conditions:
Rhabdoid tumor predisposition syndrome 1 (RTPS1). Also called: Familial Posterior Fossa Brain Tumor of Infancy. Identifiers: Orphanet 231108, Orphanet 69077, MedGen C1836327, MONDO:0012252, OMIM 609322.

Submission:

Labcorp Genetics (formerly Invitae), Labcorp
Classification: Likely pathogenic for Rhabdoid tumor predisposition syndrome 1. Last evaluated: 2017-12-11. Review status: criteria provided, single submitter. Criteria: Invitae Variant Classification Sherloc (09022015). Collection method: clinical testing. Allele origin: germline.
Comment: This variant is a gross deletion of the genomic region encompassing exons 8-9 of the SMARCB1 gene. The 5' boundary is likely confined to intron 7. The 3' end of this event is unknown as it extends through the termination codon beyond the assayed region for this gene and may encompass additional genes. While this deletion is not anticipated to result in nonsense mediated decay, it is expected to create a truncated protein product or disrupt mRNA translation. Deletions of exons 8-9 in SMARCB1 have been reported in an individual affected with a cerebellar atypical teratoid rhabdoid tumor as well as their unaffected parent (PMID: 24123847). The SMARCB1 gene is also known as hSNF5/INI1 in the literature. An experimental study in a malignant rhabdoid tumor cell line demonstrated that the deletion of exons 8-9 disrupts cell cycle regulation by partially inhibiting S-phase entry (PMID: 12226744). In summary, the currently available evidence indicates that the variant is pathogenic, but additional data are needed to prove that conclusively. Therefore, this variant has been classified as Likely Pathogenic.

Literature cited by the submitters: PubMed 12226744; PubMed 24123847.

NC_000022.11:g.(?_23833566)_(23834186_?)del

Gene: SMARCB1 (SWI/SNF related BAF chromatin remodeling complex subunit B1; plus strand). Cytogenetic location: 22q11.23.
Variant type: Deletion.
Identifiers: ClinVar variation 532988 (VCV000532988.5).